The following is an entry in ClinVar:

ClinVar aggregate classification (germline): Uncertain significance (1 of 4 stars; one submission).

gnomAD v4.1: 4 of 1,614,058 alleles (0.00025%); highest among the groups gnomAD compares: Admixed American, 0.0033%; no homozygotes.

Submission:

Mayo Clinic Laboratories, Mayo Clinic
Classification: Uncertain significance. Last evaluated: 2024-10-22. Review status: criteria provided, single submitter. Criteria: ACMG Guidelines, 2015. Collection method: clinical testing. Allele origin: germline. Observed: 1 variant allele.
Comment: PM2_supporting

NM_012233.3(RAB3GAP1):c.1856G>A (p.Arg619Gln)

Gene: RAB3GAP1 (RAB3 GTPase activating protein catalytic subunit 1; plus strand). Cytogenetic location: 2q21.3.
Variant type: single nucleotide variant.
Coding change: c.1856G>A on transcript NM_012233.3 (MANE Select); coding-DNA position 1856, G replaced by A.
Protein change: p.Arg619Gln; replaces arginine 619 with glutamine.
Molecular consequence: missense variant.
Genome position (GRCh38, 1-based): chr2:135,135,865, G>A. VCF-style: chr2-135135865-G-A. GRCh37 (hg19) VCF-style: chr2-135893435-G-A.
Other names: p.Arg619Gln; c.1856G>A, p.Arg619Gln (NM_001172435.2); short protein forms R619Q.
Identifiers: ClinVar variation 4540677 (VCV004540677.1).